The following is an entry in ClinVar:

ClinVar aggregate classification (germline): Uncertain significance (1 of 4 stars; one submission).

Conditions:
Malignant hyperthermia, susceptibility to, 5 (MHS5). Also called: CACNA1S-Related Malignant Hyperthermia Susceptibility. Identifiers: Orphanet 423, MedGen C1866077, MONDO:0011163, OMIM 601887.

Submission:

Color Diagnostics, LLC DBA Color Health
Classification: Uncertain significance for Malignant hyperthermia, susceptibility to, 5. Last evaluated: 2025-08-17. Review status: criteria provided, single submitter. Criteria: ACMG Guidelines, 2015. Collection method: clinical testing. Allele origin: germline.
Comment: This missense variant replaces lysine with asparagine at codon 540 of the CACNA1S protein. Computational prediction is inconclusive regarding the impact of this variant on protein structure and function. To our knowledge, functional studies have not been reported for this variant. This variant has not been reported in individuals affected with CACNA1S-related disorders in the literature. This variant has not been identified in the general population by the Genome Aggregation Database (gnomAD). The available evidence is insufficient to determine the role of this variant in disease conclusively. Therefore, this variant is classified as a Variant of Uncertain Significance.

NM_000069.3(CACNA1S):c.1620A>C (p.Lys540Asn)

Gene: CACNA1S (calcium voltage-gated channel subunit alpha1 S; minus strand). Cytogenetic location: 1q32.1.
Variant type: single nucleotide variant.
Coding change: c.1620A>C on transcript NM_000069.3 (MANE Select); coding-DNA position 1620, A replaced by C.
Protein change: p.Lys540Asn; replaces lysine 540 with asparagine.
Molecular consequence: missense variant.
Genome position (GRCh38, 1-based): chr1:201,077,127, T>G on the plus strand (A>C on the coding strand, the complement: CACNA1S is on the minus strand). VCF-style: chr1-201077127-T-G. GRCh37 (hg19) VCF-style: chr1-201046255-T-G.
Other names: short protein forms K540N.
Identifiers: ClinVar variation 4756256 (VCV004756256.1).